The following is an entry in ClinVar:

ClinVar aggregate classification (germline): Uncertain significance (1 of 4 stars; one submission).

Conditions:
Hereditary cancer-predisposing syndrome. Also called: Neoplastic Syndromes, Hereditary; Tumor predisposition; Hereditary neoplastic syndrome; Hereditary Cancer Syndrome. Identifiers: Orphanet 140162, MedGen C0027672, MeSH D009386, MONDO:0015356.

Submission:

Ambry Genetics
Classification: Uncertain significance for Hereditary cancer-predisposing syndrome. Last evaluated: 2026-07-07. Review status: criteria provided, single submitter. Criteria: Ambry Variant Classification Scheme 2023. Collection method: clinical testing. Allele origin: germline.
Comment: The p.Q296L variant (also known as c.887A>T), located in coding exon 7 of the SUFU gene, results from an A to T substitution at nucleotide position 887. The glutamine at codon 296 is replaced by leucine, an amino acid with dissimilar properties. This amino acid position is conserved. In addition, the in silico prediction for this alteration is inconclusive. Based on the available evidence, the clinical significance of this variant remains unclear.

NM_016169.4(SUFU):c.887A>T (p.Gln296Leu)

Gene: SUFU (SUFU negative regulator of hedgehog signaling; plus strand). Cytogenetic location: 10q24.32.
Variant type: single nucleotide variant.
Coding change: c.887A>T on transcript NM_016169.4 (MANE Select); coding-DNA position 887, A replaced by T.
Protein change: p.Gln296Leu; replaces glutamine 296 with leucine.
Molecular consequence: missense variant.
Genome position (GRCh38, 1-based): chr10:102,597,270, A>T. VCF-style: chr10-102597270-A-T. GRCh37 (hg19) VCF-style: chr10-104357027-A-T.
Other names: c.887A>T, p.Gln296Leu (NM_001178133.2); short protein forms Q296L.
Identifiers: ClinVar variation 5030391 (VCV005030391.1).
Genomic context (GRCh38, chr10:102,597,270, plus strand): 5'-ATGACCTGAGCCGGCCCCCCGAGGATGACGAGGACAGCCGGAGCATCTGCATCGGCACAC[A>T]GCCCCGGCGACTCTCTGGCAAAGGTGGGAGCCATCACTCAGCATTCCACCAGCCTTCCTC-3'
Protein context (NP_057253.2, residues 286-306): EDSRSICIGT[Gln296Leu]PRRLSGKDTE